The following is an entry in ClinVar:

ClinVar aggregate classification (germline): Uncertain significance (1 of 4 stars; one submission).

Submission:

Labcorp Genetics (formerly Invitae), Labcorp
Classification: Uncertain significance. Last evaluated: 2022-11-28. Review status: criteria provided, single submitter. Criteria: Invitae Variant Classification Sherloc (09022015). Collection method: clinical testing. Allele origin: germline.
Comment: In summary, the available evidence is currently insufficient to determine the role of this variant in disease. Therefore, it has been classified as a Variant of Uncertain Significance. Algorithms developed to predict the effect of missense changes on protein structure and function are either unavailable or do not agree on the potential impact of this missense change (SIFT: "Not Available"; PolyPhen-2: "Benign"; Align-GVGD: "Not Available"). This sequence change replaces alanine, which is neutral and non-polar, with leucine, which is neutral and non-polar, at codon 390 of the PPP3CA protein (p.Ala390Leu). Information on the frequency of this variant in the gnomAD database is not available, as this variant may be reported differently in the database. This variant has not been reported in the literature in individuals affected with PPP3CA-related conditions.

NM_000944.5(PPP3CA):c.1168_1169delinsTT (p.Ala390Leu)

Gene: PPP3CA (protein phosphatase 3 catalytic subunit alpha; minus strand). Cytogenetic location: 4q24.
Variant type: Indel.
Coding change: c.1168_1169delinsTT on transcript NM_000944.5 (MANE Select); coding-DNA positions 1168 to 1169, GC replaced by TT.
Protein change: p.Ala390Leu; replaces alanine 390 with leucine.
Molecular consequence: missense variant.
Genome position (GRCh38, 1-based): chr4:101,040,554-101,040,555, GC replaced by AA on the plus strand (GC replaced by TT on the coding strand, the reverse complement: PPP3CA is on the minus strand). VCF-style: chr4-101040554-GC-AA. GRCh37 (hg19) VCF-style: chr4-101961711-GC-AA.
Other names: c.1168_1169delinsTT, p.Ala390Leu (NM_001130691.2); c.1042_1043delinsTT, p.Ala348Leu (NM_001130692.2); short protein forms A348L, A390L.
Identifiers: ClinVar variation 1720877 (VCV001720877.5), dbSNP rs2476224535, ClinGen allele CA2580071234.